The following is an entry in ClinVar:

ClinVar aggregate classification (germline): Uncertain significance. Review status: criteria provided, multiple submitters, no conflicts (2 of 4 stars). 2 submissions from 2 submitters: Uncertain significance (2). Last evaluated 2026-08-18.

Conditions:
Inborn genetic diseases. Identifiers: MedGen C0950123, MeSH D030342.
ALG12-congenital disorder of glycosylation (CDG1G). Also called: ALG12-CDG; Congenital disorder of glycosylation, type Ig; CDG Ig. Identifiers: Orphanet 79324, MedGen C2931001, MONDO:0011783, OMIM 607143.

Allele frequency attached by ClinVar (database versions not stated): ExAC 0.00001; gnomAD exomes 0.00003; TOPMed 0.00003; gnomAD 0.00005.
gnomAD v4.1: 76 of 1,613,150 alleles (0.0047%); highest among the groups gnomAD compares: Non-Finnish European, 0.0061%; no homozygotes.

Submissions (2):

Ambry Genetics
Classification: Uncertain significance for Inborn genetic diseases. Last evaluated: 2026-08-18. Review status: criteria provided, single submitter. Criteria: Ambry Variant Classification Scheme 2023. Collection method: clinical testing. Allele origin: germline.
Comment: The c.469+4C>T intronic alteration consists of a C to T substitution 4 nucleotides after exon 4 (coding exon 3) of the ALG12 gene. Based on data from gnomAD, the T allele has an overall frequency of 0.003% (7/249352) total alleles studied. The highest observed frequency was 0.016% (1/6104) of Other alleles. Based on insufficient or conflicting evidence, the clinical significance of this alteration remains unclear.

Labcorp Genetics (formerly Invitae), Labcorp
Classification: Uncertain significance for ALG12-congenital disorder of glycosylation. Last evaluated: 2022-10-24. Review status: criteria provided, single submitter. Criteria: Invitae Variant Classification Sherloc (09022015). Collection method: clinical testing. Allele origin: germline.
Comment: This sequence change falls in intron 4 of the ALG12 gene. It does not directly change the encoded amino acid sequence of the ALG12 protein. It affects a nucleotide within the consensus splice site. This variant is present in population databases (rs555319649, gnomAD 0.006%). This variant has not been reported in the literature in individuals affected with ALG12-related conditions. ClinVar contains an entry for this variant (Variation ID: 581338). Variants that disrupt the consensus splice site are a relatively common cause of aberrant splicing (PMID: 17576681, 9536098). Algorithms developed to predict the effect of sequence changes on RNA splicing suggest that this variant is not likely to affect RNA splicing. In summary, the available evidence is currently insufficient to determine the role of this variant in disease. Therefore, it has been classified as a Variant of Uncertain Significance.

Literature cited by the submitters: PubMed 17576681 (cited by Labcorp Genetics (formerly Invitae), Labcorp); PubMed 9536098 (cited by Labcorp Genetics (formerly Invitae), Labcorp).

NM_024105.4(ALG12):c.469+4C>T

Gene: ALG12 (ALG12 alpha-1,6-mannosyltransferase; minus strand). Cytogenetic location: 22q13.33.
Variant type: single nucleotide variant.
Coding change: c.469+4C>T on transcript NM_024105.4 (MANE Select); 4 bases into the intron after coding-DNA position 469, C replaced by T.
Molecular consequence: intron variant.
Genome position (GRCh38, 1-based): chr22:49,910,430, G>A on the plus strand (C>T on the coding strand, the complement: ALG12 is on the minus strand). VCF-style: chr22-49910430-G-A. GRCh37 (hg19) VCF-style: chr22-50304078-G-A.
Identifiers: ClinVar variation 581338 (VCV000581338.5), dbSNP rs555319649, ClinGen allele CA10300616.
Genomic context (GRCh38, chr22:49,910,430, plus strand): 5'-GCCCGACTCAGGGGAGCCCCTGCCCGGCACCATGGGTGTGCAGGCCCGGCCGGCAGCTAC[G>A]TACCTACAGGCAGGGCCAGCACATTGGGCAGTGTCCGCGTGCAGTAGAACATCAGGTGGA-3'